The following is an entry in ClinVar:

ClinVar aggregate classification (germline): Uncertain significance (1 of 4 stars; one submission).

Allele frequency attached by ClinVar (database versions not stated): TOPMed below 0.00001.
gnomAD v4.1: 20 of 1,614,204 alleles (0.0012%); highest among the groups gnomAD compares: Non-Finnish European, 0.0017%; no homozygotes.

Submission:

Labcorp Genetics (formerly Invitae), Labcorp
Classification: Uncertain significance. Last evaluated: 2024-10-11. Review status: criteria provided, single submitter. Criteria: Invitae Variant Classification Sherloc (09022015). Collection method: clinical testing. Allele origin: germline.
Comment: This sequence change replaces leucine, which is neutral and non-polar, with proline, which is neutral and non-polar, at codon 4241 of the DNAH9 protein (p.Leu4241Pro). This variant is present in population databases (no rsID available, gnomAD 0.0009%). This variant has not been reported in the literature in individuals affected with DNAH9-related conditions. ClinVar contains an entry for this variant (Variation ID: 1499511). Invitae Evidence Modeling of protein sequence and biophysical properties (such as structural, functional, and spatial information, amino acid conservation, physicochemical variation, residue mobility, and thermodynamic stability) indicates that this missense variant is expected to disrupt DNAH9 protein function with a positive predictive value of 80%. In summary, the available evidence is currently insufficient to determine the role of this variant in disease. Therefore, it has been classified as a Variant of Uncertain Significance.

NM_001372.4(DNAH9):c.12722T>C (p.Leu4241Pro)

Gene: DNAH9 (dynein axonemal heavy chain 9; plus strand). Cytogenetic location: 17p12.
Variant type: single nucleotide variant.
Coding change: c.12722T>C on transcript NM_001372.4 (MANE Select); coding-DNA position 12722, T replaced by C.
Protein change: p.Leu4241Pro; replaces leucine 4241 with proline.
Molecular consequence: missense variant.
Genome position (GRCh38, 1-based): chr17:11,942,364, T>C. VCF-style: chr17-11942364-T-C. GRCh37 (hg19) VCF-style: chr17-11845681-T-C.
Other names: c.1658T>C, p.Leu553Pro (NM_004662.2); short protein forms L553P, L4241P.
Identifiers: ClinVar variation 1499511 (VCV001499511.7), dbSNP rs761274972, ClinGen allele CA398214192.
Genomic context (GRCh38, chr17:11,942,364, plus strand): 5'-TCAAGGCACTTCTGGAAGAAATATTGGAGCGGGTGACAGACGAGTTTAACATCCCAGAAC[T>C]GATGGCCAAAGTGGAGGAGCGCACCCCTTACATTGTAGTTGCCTTCCAGGAGTGTGGCCG-3'
Protein context (NP_001363.2, residues 4231-4251): RVTDEFNIPE[Leu4241Pro]MAKVEERTPY